The following is an entry in ClinVar:

ClinVar aggregate classification (germline): Uncertain significance (1 of 4 stars; one submission).

Conditions:
Frontotemporal dementia and/or amyotrophic lateral sclerosis 7 (FTDALS7). Also called: Amyotrophic lateral sclerosis 17; CHMP2B-Related Frontotemporal Dementia-Amyotrophic Lateral Sclerosis; AMYOTROPHIC LATERAL SCLEROSIS, CHMP2B-RELATED; CHMP2B-related frontotemporal dementia. Identifiers: Orphanet 275864, Orphanet 282, Orphanet 803, MedGen C1833296, MONDO:0010936, OMIM 600795.

Allele frequency attached by ClinVar (database versions not stated): gnomAD exomes below 0.00001 and 0.00001; gnomAD 0.00001 and 0.00002; ExAC 0.00002; TOPMed 0.00006; ESP Exome Variant Server 0.00008.
gnomAD v4.1: 7 of 1,613,766 alleles (0.00043%); highest among the groups gnomAD compares: South Asian, 0.0044%; no homozygotes.

Submission:

Labcorp Genetics (formerly Invitae), Labcorp
Classification: Uncertain significance for Frontotemporal dementia and/or amyotrophic lateral sclerosis 7. Last evaluated: 2019-07-22. Review status: criteria provided, single submitter. Criteria: Invitae Variant Classification Sherloc (09022015). Collection method: clinical testing. Allele origin: germline.
Comment: Algorithms developed to predict the effect of missense changes on protein structure and function output the following: SIFT: "Tolerated"; PolyPhen-2: "Benign"; Align-GVGD: "Class C0". The arginine amino acid residue is found in multiple mammalian species, suggesting that this missense change does not adversely affect protein function. These predictions have not been confirmed by published functional studies and their clinical significance is uncertain. This variant has not been reported in the literature in individuals with CHMP2B-related conditions. This variant is present in population databases (rs143800051, ExAC 0.01%). In summary, the available evidence is currently insufficient to determine the role of this variant in disease. Therefore, it has been classified as a Variant of Uncertain Significance. This sequence change replaces lysine with arginine at codon 59 of the CHMP2B protein (p.Lys59Arg). The lysine residue is moderately conserved and there is a small physicochemical difference between lysine and arginine.

NM_014043.4(CHMP2B):c.176A>G (p.Lys59Arg)

Gene: CHMP2B (charged multivesicular body protein 2B; plus strand). Cytogenetic location: 3p11.2.
Variant type: single nucleotide variant.
Coding change: c.176A>G on transcript NM_014043.4 (MANE Select); coding-DNA position 176, A replaced by G.
Protein change: p.Lys59Arg; replaces lysine 59 with arginine.
Molecular consequence: missense variant.
Genome position (GRCh38, 1-based): chr3:87,245,763, A>G. VCF-style: chr3-87245763-A-G. GRCh37 (hg19) VCF-style: chr3-87294913-A-G.
Other names: c.53A>G, p.Lys18Arg (NM_001244644.2); short protein forms K18R, K59R.
Identifiers: ClinVar variation 948982 (VCV000948982.7), dbSNP rs143800051, ClinGen allele CA2500927.